The following is an entry in ClinVar:

ClinVar aggregate classification (germline): Conflicting classifications of pathogenicity. Review status: criteria provided, conflicting classifications (1 of 4 stars). 11 submissions from 11 submitters: Uncertain significance (4); Benign (1); Likely benign (4). 2 of the submissions do not count toward it. Last evaluated 2026-05-04.

Conditions:
Sitosterolemia 1. Identifiers: MedGen C2749759, MONDO:0020747, OMIM 210250.
Cardiovascular phenotype. Identifiers: MedGen CN230736.
Abnormal bleeding. Also called: Bleeding diathesis. Identifiers: MedGen C1458140, HP:0001892.
Thrombocytopenia. Identifiers: HP:0004838, MedGen C0040034, MeSH D013921, MONDO:0002049.
ABCG8-related disorder. Also called: ABCG8-related condition.

Allele frequency attached by ClinVar (database versions not stated): TOPMed 0.00065; ESP Exome Variant Server 0.00077; gnomAD exomes 0.00088 and 0.00104; gnomAD 0.00091 and 0.00096; ExAC 0.00093.
gnomAD v4.1: 1,418 of 1,613,950 alleles (0.088%); highest among the groups gnomAD compares: South Asian, 0.16%; 4 homozygotes.

Submissions (11):

Women's Health and Genetics/Laboratory Corporation of America, LabCorp
Classification: Uncertain significance. Last evaluated: 2026-05-04. Review status: criteria provided, single submitter. Criteria: LabCorp Variant Classification Summary - May 2015. Collection method: clinical testing. Allele origin: germline.
Comment: Variant summary: ABCG8 c.1924G>A (p.Ala642Thr) results in a non-conservative amino acid change in the encoded protein sequence. Algorithms developed to predict the effect of missense changes on protein structure and function are either unavailable or do not agree on the potential impact of this missense change. The variant allele was found at a frequency of 0.001 in 251418 control chromosomes in the gnomAD database, including 1 homozygotes. This frequency is not significantly higher than estimated for disease-causing variants in ABCG8, allowing no conclusion about variant significance. c.1924G>A has been observed in individuals affected with Familial Hypercholesterolemia without clear evidence for causality (Reeskamp_2020, Atava_2024). These report(s) do not provide unequivocal conclusions about association of the variant with Early Onset Coronary Artery Disease. To our knowledge, no experimental evidence demonstrating an impact on protein function has been reported. The following publications have been ascertained in the context of this evaluation (PMID: 39769230, 32088153). ClinVar contains an entry for this variant (Variation ID: 288467). Based on the evidence outlined above, the variant was classified as uncertain significance.

Labcorp Genetics (formerly Invitae), Labcorp
Classification: Benign. Last evaluated: 2026-01-26. Review status: criteria provided, single submitter. Criteria: Invitae Variant Classification Sherloc (09022015). Collection method: clinical testing. Allele origin: germline.

Mayo Clinic Laboratories, Mayo Clinic
Classification: Uncertain significance. Last evaluated: 2025-09-14. Review status: criteria provided, single submitter. Criteria: ACMG Guidelines, 2015. Collection method: clinical testing. Allele origin: germline. Observed: 4 variant alleles.
Comment: BP4_moderate

Blueprint Genetics
Classification: Likely benign. Last evaluated: 2024-11-15. Review status: criteria provided, single submitter. Criteria: ACMG Guidelines, 2015. Collection method: clinical testing. Allele origin: germline.

Revvity Omics, Revvity
Classification: Likely benign for Sitosterolemia 1. Last evaluated: 2024-09-12. Review status: criteria provided, single submitter. Criteria: ACMG Guidelines, 2015. Collection method: clinical testing. Allele origin: germline.

Ambry Genetics
Classification: Likely benign for Cardiovascular phenotype. Last evaluated: 2022-07-13. Review status: criteria provided, single submitter. Criteria: Ambry Variant Classification Scheme 2023. Collection method: clinical testing. Allele origin: germline.

GeneDx
Classification: Likely benign. Last evaluated: 2021-04-19. Review status: criteria provided, single submitter. Criteria: GeneDx Variant Classification Process June 2021. Collection method: clinical testing. Allele origin: germline. Affected: yes.
Comment: This variant is associated with the following publications: (PMID: 32935436)

Eurofins Ntd Llc (ga)
Classification: Uncertain significance. Last evaluated: 2018-07-09. Review status: criteria provided, single submitter. Criteria: EGL ClinVar v180209 classification definitions. Collection method: clinical testing. Allele origin: germline. Observed: 4 variant alleles, 4 heterozygotes.

Illumina Laboratory Services, Illumina
Classification: Uncertain significance for Sitosterolemia 1. Last evaluated: 2018-01-13. Review status: criteria provided, single submitter. Criteria: ICSL Variant Classification Criteria 13 December 2019. Collection method: clinical testing. Allele origin: germline.

PreventionGenetics, part of Exact Sciences
Classification: Likely benign for ABCG8-related condition. Last evaluated: 2022-04-12. Review status: no assertion criteria provided. Collection method: clinical testing. Allele origin: germline. Not counted in ClinVar's aggregate classification.
Comment: This variant is classified as likely benign based on ACMG/AMP sequence variant interpretation guidelines (Richards et al. 2015 PMID: 25741868, with internal and published modifications).

Birmingham Platelet Group; University of Birmingham
Classification: Uncertain significance for Thrombocytopenia; Abnormal bleeding. Last evaluated: 2020-05-01. Review status: no assertion criteria provided. Collection method: research. Allele origin: germline. Affected: yes. Not counted in ClinVar's aggregate classification.

Literature cited by the submitters: PubMed 32088153 (cited by Women's Health and Genetics/Laboratory Corporation of America, LabCorp and Mayo Clinic Laboratories, Mayo Clinic); PubMed 39769230 (cited by Women's Health and Genetics/Laboratory Corporation of America, LabCorp); PubMed 32935436 (cited by Mayo Clinic Laboratories, Mayo Clinic).

NM_022437.3(ABCG8):c.1924G>A (p.Ala642Thr)

Gene: ABCG8 (ATP binding cassette subfamily G member 8; plus strand). Cytogenetic location: 2p21.
Variant type: single nucleotide variant.
Coding change: c.1924G>A on transcript NM_022437.3 (MANE Select); coding-DNA position 1924, G replaced by A.
Protein change: p.Ala642Thr; replaces alanine 642 with threonine.
Molecular consequence: missense variant.
Genome position (GRCh38, 1-based): chr2:43,877,815, G>A. VCF-style: chr2-43877815-G-A. GRCh37 (hg19) VCF-style: chr2-44104954-G-A.
Other names: p.Ala642Thr; c.1921G>A, p.Ala641Thr (NM_001357321.2); short protein forms A642T, A641T.
Identifiers: ClinVar variation 288467 (VCV000288467.32), dbSNP rs113005049, ClinGen allele CA1637726.